The following is an entry in ClinVar:

ClinVar aggregate classification (germline): Pathogenic (1 of 4 stars; one submission).

Submission:

Labcorp Genetics (formerly Invitae), Labcorp
Classification: Pathogenic. Last evaluated: 2021-12-23. Review status: criteria provided, single submitter. Criteria: Invitae Variant Classification Sherloc (09022015). Collection method: clinical testing. Allele origin: germline.
Comment: This sequence change creates a premature translational stop signal (p.Leu424Serfs*31) in the EARS2 gene. It is expected to result in an absent or disrupted protein product. Loss-of-function variants in EARS2 are known to be pathogenic (PMID: 22492562). This variant is not present in population databases (gnomAD no frequency). This variant has not been reported in the literature in individuals affected with EARS2-related conditions. For these reasons, this variant has been classified as Pathogenic.

Literature cited by the submitters: PubMed 22492562.

NM_001083614.2(EARS2):c.1270_1277del (p.Leu424fs)

Gene: EARS2 (glutamyl-tRNA synthetase 2, mitochondrial; minus strand). Cytogenetic location: 16p12.2.
Variant type: Deletion.
Coding change: c.1270_1277del on transcript NM_001083614.2 (MANE Select); coding-DNA positions 1270 to 1277, 8 bases deleted (CTGTGGAC; older notation c.1270_1277delCTGTGGAC).
Protein change: p.Leu424fs; shifts the reading frame from leucine 424.
Molecular consequence: frameshift variant. On other transcripts: non-coding transcript variant (1).
Genome position (GRCh38, 1-based): chr16:23,529,577-23,529,584, GTCCACAG deleted on the plus strand (CTGTGGAC on the coding strand, the reverse complement: EARS2 is on the minus strand); deleting any 8 consecutive bases within chr16:23,529,577-23,529,586 gives the same sequence; the c. name uses the placement nearest the transcript's 3' end. VCF-style (leftmost placement, unchanged base first): chr16-23529576-AGTCCACAG-A. GRCh37 (hg19) VCF-style: chr16-23540897-AGTCCACAG-A.
Other names: c.1270_1277del, p.Leu424fs (NM_001308211.1); c.1268_1275delACCTGTGG, p.Leu424Serfs (NM_133451.1); short protein forms L424fs.
Identifiers: ClinVar variation 2052934 (VCV002052934.4), dbSNP rs2506847638, ClinGen allele CA2580091231.